The following is an entry in ClinVar:

ClinVar aggregate classification (germline): Uncertain significance (1 of 4 stars; one submission).

Conditions:
Multiple endocrine neoplasia, type 2 (MEN2). Identifiers: Orphanet 653, MedGen C4048306, MONDO:0019003. Disease mechanism: gain of function.

Submission:

Labcorp Genetics (formerly Invitae), Labcorp
Classification: Uncertain significance for Multiple endocrine neoplasia, type 2. Last evaluated: 2023-06-15. Review status: criteria provided, single submitter. Criteria: Invitae Variant Classification Sherloc (09022015). Collection method: clinical testing. Allele origin: germline.
Comment: This sequence change replaces proline, which is neutral and non-polar, with leucine, which is neutral and non-polar, at codon 168 of the RET protein (p.Pro168Leu). This variant is not present in population databases (gnomAD no frequency). In summary, the available evidence is currently insufficient to determine the role of this variant in disease. Therefore, it has been classified as a Variant of Uncertain Significance. Algorithms developed to predict the effect of missense changes on protein structure and function output the following: SIFT: "Not Available"; PolyPhen-2: "Benign"; Align-GVGD: "Not Available". The leucine amino acid residue is found in multiple mammalian species, which suggests that this missense change does not adversely affect protein function. This variant has not been reported in the literature in individuals affected with RET-related conditions.

NM_020975.6(RET):c.503C>T (p.Pro168Leu)

Gene: RET (ret proto-oncogene; plus strand). Cytogenetic location: 10q11.21.
Variant type: single nucleotide variant.
Coding change: c.503C>T on transcript NM_020975.6 (MANE Select); coding-DNA position 503, C replaced by T.
Protein change: p.Pro168Leu; replaces proline 168 with leucine.
Molecular consequence: missense variant. On other transcripts: intron variant (15).
Genome position (GRCh38, 1-based): chr10:43,102,507, C>T. VCF-style: chr10-43102507-C-T. GRCh37 (hg19) VCF-style: chr10-43597955-C-T.
Other names: c.374C>T, p.Pro125Leu (NM_001406761.1, NM_001406762.1, NM_001406764.1 and 4 more transcripts); c.503C>T, p.Pro168Leu (NM_001406763.1, NM_001406765.1, NM_001406769.1 and 16 more transcripts); c.337+1785C>T (NM_001406770.1, NM_001406766.1, NM_001406767.1 and 8 more transcripts); c.74-6524C>T (NM_001406784.1); c.74-9592C>T (NM_001406794.1, NM_001406792.1, NM_001406793.1); short protein forms P125L, P168L.
Identifiers: ClinVar variation 2715581 (VCV002715581.3), dbSNP rs2132682166, ClinGen allele CA376543288.